The following is an entry in ClinVar:

ClinVar aggregate classification (germline): Pathogenic (1 of 4 stars; one submission).

Submission:

Labcorp Genetics (formerly Invitae), Labcorp
Classification: Pathogenic. Last evaluated: 2025-03-18. Review status: criteria provided, single submitter. Criteria: Invitae Variant Classification Sherloc (09022015). Collection method: clinical testing. Allele origin: germline.
Comment: This sequence change replaces proline, which is neutral and non-polar, with leucine, which is neutral and non-polar, at codon 476 of the SERPING1 protein (p.Pro476Leu). This variant is not present in population databases (gnomAD no frequency). This missense change has been observed in individuals with autosomal dominant hereditary angioedema (PMID: 18586324, 20804470, 23123409, 30398465). Invitae Evidence Modeling of protein sequence and biophysical properties (such as structural, functional, and spatial information, amino acid conservation, physicochemical variation, residue mobility, and thermodynamic stability) has been performed for this missense variant. However, the output from this modeling did not meet the statistical confidence thresholds required to predict the impact of this variant on SERPING1 protein function. Experimental studies have shown that this missense change affects SERPING1 function (PMID: 30398465). For these reasons, this variant has been classified as Pathogenic.

Literature cited by the submitters: PubMed 18586324; PubMed 20804470; PubMed 23123409; PubMed 30398465.

NM_000062.3(SERPING1):c.1427C>T (p.Pro476Leu)

Gene: SERPING1 (serpin family G member 1; plus strand). Cytogenetic location: 11q12.1.
Variant type: single nucleotide variant.
Coding change: c.1427C>T on transcript NM_000062.3 (MANE Select); coding-DNA position 1427, C replaced by T.
Protein change: p.Pro476Leu; replaces proline 476 with leucine.
Molecular consequence: missense variant.
Genome position (GRCh38, 1-based): chr11:57,614,505, C>T. VCF-style: chr11-57614505-C-T. GRCh37 (hg19) VCF-style: chr11-57381978-C-T.
Other names: c.1427C>T, p.Pro476Leu (NM_001032295.2); short protein forms P476L.
Identifiers: ClinVar variation 4709835 (VCV004709835.1).